The following is an entry in ClinVar:

NM_032436.4(CHAMP1):c.1250C>G (p.Pro417Arg)

Gene: CHAMP1 (chromosome alignment maintaining phosphoprotein 1; plus strand). Cytogenetic location: 13q34.
Variant type: single nucleotide variant.
Coding change: c.1250C>G on transcript NM_032436.4 (MANE Select); coding-DNA position 1250, C replaced by G.
Protein change: p.Pro417Arg; replaces proline 417 with arginine.
Molecular consequence: missense variant.
Genome position (GRCh38, 1-based): chr13:114,325,092, C>G. VCF-style: chr13-114325092-C-G. GRCh37 (hg19) VCF-style: chr13-115090567-C-G.
Other names: c.1250C>G, p.Pro417Arg (NM_001164144.3, NM_001164145.3); short protein forms P417R.
Identifiers: ClinVar variation 1380212 (VCV001380212.8), dbSNP rs1242502104, ClinGen allele CA388848258.
Genomic context (GRCh38, chr13:114,325,092, plus strand): 5'-TCCGAAAGACAGCTCCCACGTTGTCTCCTGAACATTGGAAGGCAGTTCCCCCAGTGTCTC[C>G]AGAGCTTCGCAAACCCGGCCCACCACTATCCCCAGAGATCCGTAGTCCAGCAGGATCTCC-3'
Protein context (NP_115812.1, residues 407-427): EHWKAVPPVS[Pro417Arg]ELRKPGPPLS

ClinVar aggregate classification (germline): Conflicting classifications of pathogenicity. Review status: criteria provided, conflicting classifications (1 of 4 stars). 2 submissions from 2 submitters: Uncertain significance (1); Likely benign (1). Last evaluated 2025-11-07.

Allele frequency attached by ClinVar (database versions not stated): gnomAD exomes 0.00001; gnomAD 0.00002; TOPMed 0.00004.
gnomAD v4.1: 9 of 1,614,018 alleles (0.00056%); highest among the groups gnomAD compares: Admixed American, 0.0083%; no homozygotes.

Submissions (2):

Dasa
Classification: Likely benign. Last evaluated: 2025-11-07. Review status: criteria provided, single submitter. Criteria: DASA Assertion Criteria. Collection method: clinical testing. Allele origin: germline.
Comment: NM_032436.4(CHAMP1):c.1250C>G (p.Pro417Arg) is a missense variant that results in the substitution of proline with arginine. The variant context is inconsistent with a known disease-causing mechanism. Computational prediction algorithms are consistent with a benign effect. Therefore, based on the currently available evidence, this variant is classified as likely benign.

Labcorp Genetics (formerly Invitae), Labcorp
Classification: Uncertain significance. Last evaluated: 2021-03-22. Review status: criteria provided, single submitter. Criteria: Invitae Variant Classification Sherloc (09022015). Collection method: clinical testing. Allele origin: germline.
Comment: In summary, the available evidence is currently insufficient to determine the role of this variant in disease. Therefore, it has been classified as a Variant of Uncertain Significance. Algorithms developed to predict the effect of missense changes on protein structure and function are either unavailable or do not agree on the potential impact of this missense change (SIFT: "Deleterious"; PolyPhen-2: "Possibly Damaging"; Align-GVGD: "Class C0"). This variant has not been reported in the literature in individuals with CHAMP1-related conditions. This variant is not present in population databases (ExAC no frequency). This sequence change replaces proline with arginine at codon 417 of the CHAMP1 protein (p.Pro417Arg). The proline residue is highly conserved and there is a moderate physicochemical difference between proline and arginine.